The following is an entry in ClinVar:

ClinVar aggregate classification (germline): Benign (1 of 4 stars; one submission).

Allele frequency attached by ClinVar (database versions not stated): TOPMed 0.26105; 1000 Genomes Project 0.26737; 1000 Genomes Project 30x 0.26968; gnomAD 0.28008 and 0.28230.
gnomAD v4.1: 284,511 of 980,510 alleles (29%); highest among the groups gnomAD compares: South Asian, 39%; 43,148 homozygotes.

Submission:

GeneDx
Classification: Benign. Last evaluated: 2018-06-16. Review status: criteria provided, single submitter. Criteria: GeneDx Variant Classification (06012015). Collection method: clinical testing. Allele origin: germline. Affected: yes.
Comment: This variant is considered likely benign or benign based on one or more of the following criteria: it is a conservative change, it occurs at a poorly conserved position in the protein, it is predicted to be benign by multiple in silico algorithms, and/or has population frequency not consistent with disease.

NM_024592.5(SRD5A3):c.698-139T>C

Genes: SRD5A3 (steroid 5 alpha-reductase 3; plus strand), SRD5A3-AS1 (SRD5A3 antisense RNA 1; minus strand). Cytogenetic location: 4q12.
Variant type: single nucleotide variant.
Coding change: c.698-139T>C on transcript NM_024592.5 (MANE Select); 139 bases into the intron before coding-DNA position 698, T replaced by C.
Molecular consequence: intron variant.
Genome position (GRCh38, 1-based): chr4:55,369,693, T>C. VCF-style: chr4-55369693-T-C. GRCh37 (hg19) VCF-style: chr4-56235860-T-C.
Identifiers: ClinVar variation 676204 (VCV000676204.1), dbSNP rs819267, ClinGen allele CA15302134.
Genomic context (GRCh38, chr4:55,369,693, plus strand): 5'-AGATGGGAGGATTGCCTGGGCCTGGAAGGTTGAGACTACAGTGAGCCATGACTGCACGAC[T>C]GCACTCCAGCCTGGACAACAGAGCAAGACTTTGCCTCAAAAAAAAAAAAAAAAATTCTGT-3'